The following is an entry in ClinVar:

NM_001142784.3(IL11RA):c.866A>G (p.His289Arg)

Gene: IL11RA (interleukin 11 receptor subunit alpha; plus strand). Cytogenetic location: 9p13.3.
Variant type: single nucleotide variant.
Coding change: c.866A>G on transcript NM_001142784.3 (MANE Select); coding-DNA position 866, A replaced by G.
Protein change: p.His289Arg; replaces histidine 289 with arginine.
Molecular consequence: missense variant. On other transcripts: non-coding transcript variant (1).
Genome position (GRCh38, 1-based): chr9:34,659,814, A>G. VCF-style: chr9-34659814-A-G. GRCh37 (hg19) VCF-style: chr9-34659811-A-G.
Other names: short protein forms H289R.
Identifiers: ClinVar variation 1209504 (VCV001209504.7), dbSNP rs747505958, ClinGen allele CA5036622.

ClinVar aggregate classification (germline): Pathogenic/Likely pathogenic. Review status: criteria provided, multiple submitters, no conflicts (2 of 4 stars). 3 submissions from 3 submitters: Pathogenic (1); Likely pathogenic (2). Last evaluated 2024-04-15.

Allele frequency attached by ClinVar (database versions not stated): gnomAD 0.00001 and 0.00003; ExAC 0.00003; gnomAD exomes 0.00003; TOPMed 0.00005.

Submissions (3):

Labcorp Genetics (formerly Invitae), Labcorp
Classification: Pathogenic. Last evaluated: 2024-04-15. Review status: criteria provided, single submitter. Criteria: Invitae Variant Classification Sherloc (09022015). Collection method: clinical testing. Allele origin: germline.
Comment: This sequence change replaces histidine, which is basic and polar, with arginine, which is basic and polar, at codon 289 of the IL11RA protein (p.His289Arg). This variant is present in population databases (rs747505958, gnomAD 0.006%). This missense change has been observed in individuals with craniosynostosis and dental anomalies (PMID: 29926465, 35331937; Invitae). It has also been observed to segregate with disease in related individuals. ClinVar contains an entry for this variant (Variation ID: 1209504). Advanced modeling of protein sequence and biophysical properties (such as structural, functional, and spatial information, amino acid conservation, physicochemical variation, residue mobility, and thermodynamic stability) performed at Invitae indicates that this missense variant is expected to disrupt IL11RA protein function with a positive predictive value of 80%. For these reasons, this variant has been classified as Pathogenic.

GeneDx
Classification: Likely pathogenic. Last evaluated: 2024-04-04. Review status: criteria provided, single submitter. Criteria: GeneDx Variant Classification Process June 2021. Collection method: clinical testing. Allele origin: germline. Affected: yes.
Comment: In silico analysis, which includes protein predictors and evolutionary conservation, supports a deleterious effect; Not observed at a significant frequency in large population cohorts (gnomAD); This variant is associated with the following publications: (PMID: 29926465, 35331937)

Clinical Genetics Laboratory, Skane University Hospital Lund
Classification: Likely pathogenic. Last evaluated: 2022-08-29. Review status: criteria provided, single submitter. Criteria: ACMG Guidelines, 2015. Collection method: clinical testing. Allele origin: germline. Affected: yes.

Literature cited by the submitters: PubMed 29926465 (cited by Labcorp Genetics (formerly Invitae), Labcorp); PubMed 35331937 (cited by Labcorp Genetics (formerly Invitae), Labcorp).